The following is an entry in ClinVar:

NC_000002.11:g.(?_203332222)_(203332432_?)del

Gene: BMPR2 (bone morphogenetic protein receptor type 2; plus strand). Cytogenetic location: 2q33.2.
Variant type: Deletion.
Identifiers: ClinVar variation 2423972 (VCV002423972.3).

ClinVar aggregate classification (germline): Pathogenic (1 of 4 stars; one submission).

Conditions:
Primary pulmonary hypertension. Also called: Idiopathic pulmonary hypertension. Identifiers: MedGen C0152171.

Submission:

Labcorp Genetics (formerly Invitae), Labcorp
Classification: Pathogenic for Primary pulmonary hypertension. Last evaluated: 2022-08-03. Review status: criteria provided, single submitter. Criteria: Invitae Variant Classification Sherloc (09022015). Collection method: clinical testing. Allele origin: germline.
Comment: This variant is a gross deletion of the genomic region encompassing exon(s) 3 of the BMPR2 gene. This variant would be expected to be in-frame, preserving the integrity of the reading frame. A similar copy number variant has been observed in individuals with pulmonary arterial hypertension (PMID: 16728714, 21801371, 28388887). This variant disrupts the p.Cys99 amino acid residue in BMPR2. Other variant(s) that disrupt this residue have been determined to be pathogenic (PMID: 19555857, 30578397; Invitae). This suggests that this residue is clinically significant, and that variants that disrupt this residue are likely to be disease-causing. For these reasons, this variant has been classified as Pathogenic.

Literature cited by the submitters: PubMed 16728714; PubMed 21801371; PubMed 28388887; PubMed 19555857; PubMed 30578397.